The following is an entry in ClinVar:

ClinVar aggregate classification (germline): Uncertain significance (1 of 4 stars; one submission).

Conditions:
Neuronal ceroid lipofuscinosis. Also called: Neuronal Ceroid Lipofuscinoses. Identifiers: Orphanet 216, Orphanet 79263, MedGen C0027877, MONDO:0016295. Disease mechanism: loss of function.

Submission:

Labcorp Genetics (formerly Invitae), Labcorp
Classification: Uncertain significance for Neuronal ceroid lipofuscinosis. Last evaluated: 2024-09-23. Review status: criteria provided, single submitter. Criteria: Invitae Variant Classification Sherloc (09022015). Collection method: clinical testing. Allele origin: germline.
Comment: This sequence change replaces proline, which is neutral and non-polar, with leucine, which is neutral and non-polar, at codon 68 of the CTSD protein (p.Pro68Leu). This variant is not present in population databases (gnomAD no frequency). This variant has not been reported in the literature in individuals affected with CTSD-related conditions. ClinVar contains an entry for this variant (Variation ID: 835152). Invitae Evidence Modeling of protein sequence and biophysical properties (such as structural, functional, and spatial information, amino acid conservation, physicochemical variation, residue mobility, and thermodynamic stability) indicates that this missense variant is not expected to disrupt CTSD protein function with a negative predictive value of 80%. In summary, the available evidence is currently insufficient to determine the role of this variant in disease. Therefore, it has been classified as a Variant of Uncertain Significance.

NM_001909.5(CTSD):c.203C>T (p.Pro68Leu)

Genes: PRADX (PRC2 and DDX5 associated lncRNA; plus strand), CTSD (cathepsin D; minus strand). Cytogenetic location: 11p15.5.
Variant type: single nucleotide variant.
Coding change: c.203C>T on transcript NM_001909.5 (MANE Select); coding-DNA position 203, C replaced by T.
Protein change: p.Pro68Leu; replaces proline 68 with leucine.
Molecular consequence: missense variant.
Genome position (GRCh38, 1-based): chr11:1,761,334, G>A on the plus strand (C>T on the coding strand, the complement: CTSD is on the minus strand). VCF-style: chr11-1761334-G-A. GRCh37 (hg19) VCF-style: chr11-1782564-G-A.
Other names: short protein forms P68L.
Identifiers: ClinVar variation 835152 (VCV000835152.11), dbSNP rs11555044, ClinGen allele CA216180820.